The following is an entry in ClinVar:

ClinVar aggregate classification (germline): Uncertain significance (1 of 4 stars; one submission).

Submission:

GeneDx
Classification: Uncertain significance. Last evaluated: 2024-04-14. Review status: criteria provided, single submitter. Criteria: GeneDx Variant Classification Process June 2021. Collection method: clinical testing. Allele origin: germline. Affected: yes.
Comment: Not observed at significant frequency in large population cohorts (gnomAD); In silico analysis indicates that this missense variant does not alter protein structure/function; Has not been previously published as pathogenic or benign to our knowledge

NM_001429.4(EP300):c.5830C>T (p.His1944Tyr)

Gene: EP300 (E1A binding protein p300; plus strand). Cytogenetic location: 22q13.2.
Variant type: single nucleotide variant.
Coding change: c.5830C>T on transcript NM_001429.4 (MANE Select); coding-DNA position 5830, C replaced by T.
Protein change: p.His1944Tyr; replaces histidine 1944 with tyrosine.
Molecular consequence: missense variant.
Genome position (GRCh38, 1-based): chr22:41,177,541, C>T. VCF-style: chr22-41177541-C-T. GRCh37 (hg19) VCF-style: chr22-41573545-C-T.
Other names: c.5752C>T, p.His1918Tyr (NM_001362843.2); short protein forms H1918Y, H1944Y.
Identifiers: ClinVar variation 3372636 (VCV003372636.1).